The following is an entry in ClinVar:

NM_000489.6(ATRX):c.1610A>T (p.Glu537Val)

Gene: ATRX (ATRX chromatin remodeler; minus strand). Cytogenetic location: Xq21.1.
Variant type: single nucleotide variant.
Coding change: c.1610A>T on transcript NM_000489.6 (MANE Select); coding-DNA position 1610, A replaced by T.
Protein change: p.Glu537Val; replaces glutamic acid 537 with valine.
Molecular consequence: missense variant.
Genome position (GRCh38, 1-based): chrX:77,683,646, T>A on the plus strand (A>T on the coding strand, the complement: ATRX is on the minus strand). VCF-style: chrX-77683646-T-A. GRCh37 (hg19) VCF-style: chrX-76939138-T-A.
Other names: c.1496A>T, p.Glu499Val (NM_138270.5); short protein forms E499V, E537V.
Identifiers: ClinVar variation 3369687 (VCV003369687.2).

ClinVar aggregate classification (germline): Uncertain significance. Review status: criteria provided, multiple submitters, no conflicts (2 of 4 stars). 2 submissions from 2 submitters: Uncertain significance (2). Last evaluated 2025-05-20.

Conditions:
Inborn genetic diseases. Identifiers: MedGen C0950123, MeSH D030342.

gnomAD v4.1: 1 of 1,211,341 alleles (0.000083%); highest among the groups gnomAD compares: Non-Finnish European, 0.00011%; no homozygotes.

Submissions (2):

Ambry Genetics
Classification: Uncertain significance for Inborn genetic diseases. Last evaluated: 2025-05-20. Review status: criteria provided, single submitter. Criteria: Ambry Variant Classification Scheme 2023. Collection method: clinical testing. Allele origin: germline.

GeneDx
Classification: Uncertain significance. Last evaluated: 2024-03-09. Review status: criteria provided, single submitter. Criteria: GeneDx Variant Classification Process June 2021. Collection method: clinical testing. Allele origin: germline. Affected: yes.
Comment: Not observed at significant frequency in large population cohorts (gnomAD); In silico analysis supports that this missense variant does not alter protein structure/function; Has not been previously published as pathogenic or benign to our knowledge